The following is an entry in ClinVar:

NM_003356.4(UCP3):c.845G>A (p.Arg282His)

Gene: UCP3 (uncoupling protein 3; minus strand). Cytogenetic location: 11q13.4.
Variant type: single nucleotide variant.
Coding change: c.845G>A on transcript NM_003356.4 (MANE Select); coding-DNA position 845, G replaced by A.
Protein change: p.Arg282His; replaces arginine 282 with histidine.
Molecular consequence: missense variant.
Genome position (GRCh38, 1-based): chr11:74,001,506, C>T on the plus strand (G>A on the coding strand, the complement: UCP3 is on the minus strand). VCF-style: chr11-74001506-C-T. GRCh37 (hg19) VCF-style: chr11-73712551-C-T.
Other names: short protein forms R282H.
Identifiers: ClinVar variation 2633019 (VCV002633019.3), dbSNP rs768018002, ClinGen allele CA6181328.

ClinVar aggregate classification (germline): Uncertain significance (1 of 4 stars; one submission).

Conditions:
UCP3-related disorder. Also called: UCP3-related condition.

Allele frequency attached by ClinVar (database versions not stated): ExAC 0.00001; gnomAD 0.00001; TOPMed 0.00001.
gnomAD v4.1: 25 of 1,613,814 alleles (0.0015%); highest among the groups gnomAD compares: East Asian, 0.0067%; no homozygotes.

Submission:

PreventionGenetics, part of Exact Sciences
Classification: Uncertain significance for UCP3-related condition. Last evaluated: 2026-07-13. Review status: criteria provided, single submitter. Criteria: ACMG Guidelines, 2015. Collection method: clinical testing. Allele origin: germline.
Comment: The UCP3 c.845G>A variant is predicted to result in the amino acid substitution p.Arg282His. To our knowledge, this variant has not been reported in the literature. This variant is reported in 0.0054% of alleles in individuals of East Asian descent in gnomAD. An alternative variant at the same codon (p.Arg282Cys) has been reported in both lean and obese individuals in an obesity study (Chung et al. 1999. PubMed ID: 10480626), and a functional study demonstrated that this variant affects UCP3 function (Hagen et al. 1999. PubMed ID: 10431807). At this time, the clinical significance of the p.Arg282His variant is uncertain due to the absence of conclusive functional and genetic evidence.